The following is an entry in ClinVar:

NM_182914.3(SYNE2):c.10721A>G (p.Asn3574Ser)

Gene: SYNE2 (spectrin repeat containing nuclear envelope protein 2; plus strand). Cytogenetic location: 14q23.2.
Variant type: single nucleotide variant.
Coding change: c.10721A>G on transcript NM_182914.3 (MANE Select); coding-DNA position 10721, A replaced by G.
Protein change: p.Asn3574Ser; replaces asparagine 3574 with serine.
Molecular consequence: missense variant.
Genome position (GRCh38, 1-based): chr14:64,073,991, A>G. VCF-style: chr14-64073991-A-G. GRCh37 (hg19) VCF-style: chr14-64540709-A-G.
Other names: c.10721A>G, p.Asn3574Ser (NM_015180.6); short protein forms N3574S.
Identifiers: ClinVar variation 857998 (VCV000857998.9), dbSNP rs755972675, ClinGen allele CA7221599.
Genomic context (GRCh38, chr14:64,073,991, plus strand): 5'-GATAAAGAAACAATTATATTTTGACGTTCTCTTTTAGGCTTCTTCAGAAAGTTCAGAAAA[A>G]TAAAGAATTGGTGCAGACTGAAATCCAAGAAAGACATTCCTTCACAAAAGAGATAATTGC-3'
Protein context (NP_878918.2, residues 3564-3584): CNKLLQKVQK[Asn3574Ser]KELVQTEIQE

ClinVar aggregate classification (germline): Uncertain significance (1 of 4 stars; one submission).

Conditions:
Emery-Dreifuss muscular dystrophy 5, autosomal dominant (EDMD5). Also called: EMERY-DREIFUSS MUSCULAR DYSTROPHY 5. Identifiers: Orphanet 261, MedGen C2751805, MONDO:0013072, OMIM 612999.

Allele frequency attached by ClinVar (database versions not stated): gnomAD exomes 0.00002 and 0.00004; TOPMed 0.00003; ExAC 0.00005.
gnomAD v4.1: 9 of 1,614,228 alleles (0.00056%); highest among the groups gnomAD compares: Admixed American, 0.015%; no homozygotes.

Submission:

Labcorp Genetics (formerly Invitae), Labcorp
Classification: Uncertain significance for Emery-Dreifuss muscular dystrophy 5, autosomal dominant. Last evaluated: 2022-02-10. Review status: criteria provided, single submitter. Criteria: Invitae Variant Classification Sherloc (09022015). Collection method: clinical testing. Allele origin: germline.
Comment: This sequence change replaces asparagine, which is neutral and polar, with serine, which is neutral and polar, at codon 3574 of the SYNE2 protein (p.Asn3574Ser). This variant is present in population databases (rs755972675, gnomAD 0.03%), and has an allele count higher than expected for a pathogenic variant. This variant has not been reported in the literature in individuals affected with SYNE2-related conditions. ClinVar contains an entry for this variant (Variation ID: 857998). Algorithms developed to predict the effect of missense changes on protein structure and function output the following: SIFT: "Tolerated"; PolyPhen-2: "Benign"; Align-GVGD: "Class C0". The serine amino acid residue is found in multiple mammalian species, which suggests that this missense change does not adversely affect protein function. Algorithms developed to predict the effect of sequence changes on RNA splicing suggest that this variant may create or strengthen a splice site. In summary, the available evidence is currently insufficient to determine the role of this variant in disease. Therefore, it has been classified as a Variant of Uncertain Significance.